The following is an entry in ClinVar:

NM_139027.6(ADAMTS13):c.2746C>T (p.Arg916Cys)

Gene: ADAMTS13 (ADAM metallopeptidase with thrombospondin type 1 motif 13; plus strand). Cytogenetic location: 9q34.2.
Variant type: single nucleotide variant.
Coding change: c.2746C>T on transcript NM_139027.6 (MANE Select); coding-DNA position 2746, C replaced by T.
Protein change: p.Arg916Cys; replaces arginine 916 with cysteine.
Molecular consequence: missense variant. On other transcripts: non-coding transcript variant (1).
Genome position (GRCh38, 1-based): chr9:133,448,613, C>T. VCF-style: chr9-133448613-C-T. GRCh37 (hg19) VCF-style: chr9-136313734-C-T.
Other names: p.Arg916Cys; c.2746C>T, p.Arg916Cys (NM_139025.5); c.2653C>T, p.Arg885Cys (NM_139026.6); c.2746C>T (NM_139025.4); short protein forms R885C, R916C.
Identifiers: ClinVar variation 1303178 (VCV001303178.8), dbSNP rs374444423, ClinGen allele CA200938991.
Genomic context (GRCh38, chr9:133,448,613, plus strand): 5'-CTGAGCCTGTCCCTTGGGGCTCTGGGTCTCTGCTTTGTCCACGCAGGTCTGATGGAGCTG[C>T]GTTTCCTGTGCATGGACTCTGCCCTCAGGGTGCCTGTCCAGGAAGAGCTGTGTGGCCTGG-3'
Protein context (NP_620596.2, residues 906-926): VSCGRGLMEL[Arg916Cys]FLCMDSALRV

ClinVar aggregate classification (germline): Conflicting classifications of pathogenicity. Review status: criteria provided, conflicting classifications (1 of 4 stars). 6 submissions from 6 submitters: Likely pathogenic (1); Uncertain significance (4). 1 of the submissions does not count toward it. Last evaluated 2025-12-19.

Conditions:
ADAMTS13-related disorder. Also called: ADAMTS13-related condition.
Upshaw-Schulman syndrome (TTP). Also called: Congenital thrombotic thrombocytopenic purpura; THROMBOTIC THROMBOCYTOPENIC PURPURA, HEREDITARY. Identifiers: Orphanet 93583, MedGen C1268935, MONDO:0010122, OMIM 274150.

Allele frequency attached by ClinVar (database versions not stated): ExAC 0.00001; TOPMed 0.00002; gnomAD exomes 0.00003; gnomAD 0.00004; ESP Exome Variant Server 0.00008.

Submissions (6):

Women's Health and Genetics/Laboratory Corporation of America, LabCorp
Classification: Uncertain significance. Last evaluated: 2025-12-19. Review status: criteria provided, single submitter. Criteria: LabCorp Variant Classification Summary - May 2015. Collection method: clinical testing. Allele origin: germline.
Comment: Variant summary: ADAMTS13 c.2746C>T (p.Arg916Cys) results in a non-conservative amino acid change in the encoded protein sequence. Algorithms developed to predict the effect of missense changes on protein structure and function are either unavailable or do not agree on the potential impact of this missense change. The variant allele was found at a frequency of 2.8e-05 in 248984 control chromosomes. c.2746C>T has been observed in at least two individuals affected with Thrombotic Thrombocytopenic Purpura (example: Deal_2013, Joly_2018). These data indicate that the variant may be associated with disease. To our knowledge, no experimental evidence demonstrating an impact on protein function has been reported. The following publications have been ascertained in the context of this evaluation (PMID: 23208954, 30312976). ClinVar contains an entry for this variant (Variation ID: 1303178). Based on the evidence outlined above, the variant was classified as VUS-possibly pathogenic.

Labcorp Genetics (formerly Invitae), Labcorp
Classification: Uncertain significance. Last evaluated: 2025-12-15. Review status: criteria provided, single submitter. Criteria: Invitae Variant Classification Sherloc (09022015). Collection method: clinical testing. Allele origin: germline.
Comment: This sequence change replaces arginine, which is basic and polar, with cysteine, which is neutral and slightly polar, at codon 916 of the ADAMTS13 protein (p.Arg916Cys). This variant is present in population databases (rs374444423, gnomAD 0.005%). This missense change has been observed in individuals with thrombotic thrombocytopaenic purpura (PMID: 23208954, 27132698, 28940540, 30312976, 33732721). This variant is also known as p.Arg915Cys in the literature. ClinVar contains an entry for this variant (Variation ID: 1303178). An algorithm developed to predict the effect of missense changes on protein structure and function (PolyPhen-2) suggests that this variant is likely to be tolerated. In summary, the available evidence is currently insufficient to determine the role of this variant in disease. Therefore, it has been classified as a Variant of Uncertain Significance.

Mayo Clinic Laboratories, Mayo Clinic
Classification: Likely pathogenic. Last evaluated: 2024-07-26. Review status: criteria provided, single submitter. Criteria: ACMG Guidelines, 2015. Collection method: clinical testing. Allele origin: germline. Observed: 1 variant allele.
Comment: PP1, PM1_supporting, PM2, PM3_strong

Fulgent Genetics
Classification: Uncertain significance for Upshaw-Schulman syndrome. Last evaluated: 2024-03-11. Review status: criteria provided, single submitter. Criteria: ACMG Guidelines, 2015. Collection method: clinical testing. Allele origin: germline.

GeneDx
Classification: Uncertain significance. Last evaluated: 2020-11-20. Review status: criteria provided, single submitter. Criteria: GeneDx Variant Classification Process June 2021. Collection method: clinical testing. Allele origin: germline. Affected: yes.
Comment: In silico analysis supports that this missense variant has a deleterious effect on protein structure/function; This variant is associated with the following publications: (PMID: 30312976, 23208954, 28940540)

PreventionGenetics, part of Exact Sciences
Classification: Uncertain significance for ADAMTS13-related condition. Last evaluated: 2024-08-13. Review status: no assertion criteria provided. Collection method: clinical testing. Allele origin: germline. Not counted in ClinVar's aggregate classification.
Comment: The ADAMTS13 c.2746C>T variant is predicted to result in the amino acid substitution p.Arg916Cys. This variant has been reported in the compound heterozygous state in individuals with thrombotic thrombocytopenic purpura (TTP), also known as Upshaw-Schulman Syndrome (USS) (Deal et al. 2013. PubMed ID: 23208954; Joly et al. 2018. PubMed ID: 30312976). This variant is reported in 0.0047% of alleles in individuals of European (Non-Finnish) descent in gnomAD. Although we suspect that this variant may be pathogenic, at this time, the clinical significance of this variant is uncertain due to the absence of conclusive functional and genetic evidence.

Literature cited by the submitters: PubMed 30312976 (cited by 3 submitters); PubMed 23208954 (cited by 3 submitters); PubMed 27132698 (cited by Labcorp Genetics (formerly Invitae), Labcorp and Mayo Clinic Laboratories, Mayo Clinic); PubMed 28940540 (cited by Labcorp Genetics (formerly Invitae), Labcorp and Mayo Clinic Laboratories, Mayo Clinic); PubMed 33732721 (cited by Labcorp Genetics (formerly Invitae), Labcorp and Mayo Clinic Laboratories, Mayo Clinic); PubMed 37816989 (cited by Mayo Clinic Laboratories, Mayo Clinic).